The following is an entry in ClinVar:

NM_006939.4(SOS2):c.800T>C (p.Met267Thr)

Gene: SOS2 (SOS Ras/Rho guanine nucleotide exchange factor 2; minus strand). Cytogenetic location: 14q21.3.
Variant type: single nucleotide variant.
Coding change: c.800T>C on transcript NM_006939.4 (MANE Select); coding-DNA position 800, T replaced by C.
Protein change: p.Met267Thr; replaces methionine 267 with threonine.
Molecular consequence: missense variant.
Genome position (GRCh38, 1-based): chr14:50,182,521, A>G on the plus strand (T>C on the coding strand, the complement: SOS2 is on the minus strand). VCF-style: chr14-50182521-A-G. GRCh37 (hg19) VCF-style: chr14-50649239-A-G.
Other names: short protein forms M267T.
Identifiers: ClinVar variation 373114 (VCV000373114.11), dbSNP rs797045167, ClinGen allele CA16021010.

ClinVar aggregate classification (germline): Pathogenic. Review status: criteria provided, multiple submitters, no conflicts (2 of 4 stars). 4 submissions from 4 submitters: Pathogenic (4). Last evaluated 2023-06-24.

Conditions:
Noonan syndrome 9 (NS9). Identifiers: Orphanet 648, MedGen C4225282, MONDO:0014691, OMIM 616559.

Submissions (4):

Labcorp Genetics (formerly Invitae), Labcorp
Classification: Pathogenic for Noonan syndrome 9. Last evaluated: 2023-06-24. Review status: criteria provided, single submitter. Criteria: Invitae Variant Classification Sherloc (09022015). Collection method: clinical testing. Allele origin: germline.
Comment: For these reasons, this variant has been classified as Pathogenic. This variant disrupts the p.Met267 amino acid residue in SOS2. Other variant(s) that disrupt this residue have been determined to be pathogenic (PMID: 25795793, 26173643). This suggests that this residue is clinically significant, and that variants that disrupt this residue are likely to be disease-causing. Advanced modeling of protein sequence and biophysical properties (such as structural, functional, and spatial information, amino acid conservation, physicochemical variation, residue mobility, and thermodynamic stability) performed at Invitae indicates that this missense variant is expected to disrupt SOS2 protein function. ClinVar contains an entry for this variant (Variation ID: 373114). This missense change has been observed in individual(s) with clinical features of Noonan syndrome (Invitae). It has also been observed to segregate with disease in related individuals. This variant is not present in population databases (gnomAD no frequency). This sequence change replaces methionine, which is neutral and non-polar, with threonine, which is neutral and polar, at codon 267 of the SOS2 protein (p.Met267Thr).

Department of Human Genetics, University Hospital Magdeburg
Classification: Pathogenic for Noonan syndrome 9. Last evaluated: 2020-07-02. Review status: criteria provided, single submitter. Criteria: ClinGen's RASopathy Expert Panel Guidelines, 2018. Collection method: clinical testing. Allele origin: de novo. Inheritance: Autosomal dominant inheritance. Affected: yes. Observed: 1 variant allele.
Comment: This variant has been previously reported as pathogenic (PS1). It is absent from gnomAD (PM2). The variant is assumed to be de novo, but without confirmation of paternity and maternity (PM6). The REVEL Score of this variant is 0.868 (PP3) and the variant has been classified as pathogenic in ClinVar (PP5).

GeneDx
Classification: Pathogenic. Last evaluated: 2017-11-17. Review status: criteria provided, single submitter. Criteria: GeneDx Variant Classification (06012015). Collection method: clinical testing. Allele origin: germline. Affected: yes.
Comment: The M267T variant in the SOS2 gene has not been reported previously as a pathogenic variant nor as a benign variant, to our knowledge. However, a different missense variant in the same residue, M267K, was identified as a de novo change in a patient with Noonan syndrome (Yamamoto et al., 2015). A second missense variant in the same residue, M267R, was identified in two individuals with Noonan syndrome, and functional studies of M267R indicate that it promotes enhanced phosphorylation of ERK (Cordeddu et al., 2015). The M267T variant was not observed in approximately 6500 individuals of European and African American ancestry in the NHLBI Exome Sequencing Project, indicating it is not a common benign variant in these populations. The M267T variant is a non-conservative amino acid substitution, which is likely to impact secondary protein structure as these residues differ in polarity, charge, size and/or other properties. This substitution occurs at a position that is conserved across species, and in silico analysis predicts this variant is probably damaging to the protein structure/function. We interpret M267T as a pathogenic variant

Genome-Nilou Lab
Classification: Pathogenic for Noonan syndrome 9. Review status: criteria provided, single submitter. Criteria: ACMG Guidelines, 2015. Collection method: clinical testing. Allele origin: germline.

Literature cited by the submitters: PubMed 25795793 (cited by Labcorp Genetics (formerly Invitae), Labcorp); PubMed 26173643 (cited by Labcorp Genetics (formerly Invitae), Labcorp).